The following is an entry in ClinVar:

ClinVar aggregate classification (germline): Pathogenic. Review status: reviewed by expert panel (3 of 4 stars). 8 submissions from 8 submitters: Pathogenic (1). 7 of the submissions do not count toward it. Last evaluated 2016-09-08.

Conditions:
Hereditary cancer-predisposing syndrome. Also called: Neoplastic Syndromes, Hereditary; Hereditary neoplastic syndrome; Tumor predisposition; Hereditary Cancer Syndrome. Identifiers: Orphanet 140162, MedGen C0027672, MeSH D009386, MONDO:0015356.
Hereditary breast ovarian cancer syndrome. Also called: Hereditary breast and/or ovarian cancer syndrome; Hereditary breast and ovarian cancer; Hereditary breast and ovarian cancer syndrome (HBOC); Breast and ovarian cancer; BRCA1- and BRCA2-Associated Hereditary Breast and Ovarian Cancer; Hereditary breast and ovarian cancer syndrome. Identifiers: Orphanet 145, MedGen C0677776, MeSH D061325, MONDO:0003582. Disease mechanism: loss of function.
Breast-ovarian cancer, familial, susceptibility to, 2 (BROVCA2). Also called: BRCA2 Hereditary Breast and Ovarian Cancer. Identifiers: Orphanet 145, MedGen C2675520, MONDO:0012933, OMIM 612555. Disease mechanism: loss of function.

Submissions (8):

Evidence-based Network for the Interpretation of Germline Mutant Alleles (ENIGMA)
Classification: Pathogenic for Breast-ovarian cancer, familial, susceptibility to, 2. Last evaluated: 2016-09-08. Review status: reviewed by expert panel. Criteria: ENIGMA BRCA1/2 Classification Criteria (2015). Collection method: curation. Allele origin: germline.
Comment: Variant allele predicted to encode a truncated non-functional protein.

Ambry Genetics
Classification: Pathogenic for Hereditary cancer-predisposing syndrome. Last evaluated: 2026-04-23. Review status: criteria provided, single submitter. Criteria: Ambry Variant Classification Scheme 2023. Collection method: clinical testing. Allele origin: germline. Not counted in ClinVar's aggregate classification.
Comment: The p.Q961* pathogenic mutation (also known as c.2881C>T), located in coding exon 10 of the BRCA2 gene, results from a C to T substitution at nucleotide position 2881. This changes the amino acid from a glutamine to a stop codon within coding exon 10. This variant is considered to be rare based on population cohorts in the Genome Aggregation Database (gnomAD). This alteration is expected to result in loss of function by premature protein truncation or nonsense-mediated mRNA decay. As such, this alteration is interpreted as a disease-causing mutation.

Mayo Clinic Laboratories, Mayo Clinic
Classification: Pathogenic. Last evaluated: 2025-07-18. Review status: criteria provided, single submitter. Criteria: ACMG Guidelines, 2015. Collection method: clinical testing. Allele origin: germline. Observed: 1 variant allele. Not counted in ClinVar's aggregate classification.
Comment: PM2_supporting, PM5_strong, PVS1

Labcorp Genetics (formerly Invitae), Labcorp
Classification: Pathogenic for Hereditary breast ovarian cancer syndrome. Last evaluated: 2023-06-05. Review status: criteria provided, single submitter. Criteria: Invitae Variant Classification Sherloc (09022015). Collection method: clinical testing. Allele origin: germline. Not counted in ClinVar's aggregate classification.
Comment: This variant is not present in population databases (gnomAD no frequency). This sequence change creates a premature translational stop signal (p.Gln961*) in the BRCA2 gene. It is expected to result in an absent or disrupted protein product. Loss-of-function variants in BRCA2 are known to be pathogenic (PMID: 20104584). For these reasons, this variant has been classified as Pathogenic. ClinVar contains an entry for this variant (Variation ID: 51365). This premature translational stop signal has been observed in individual(s) with a personal and/or family history of breast and/or ovarian cancer (PMID: 29446198).

Consortium of Investigators of Modifiers of BRCA1/2 (CIMBA), c/o University of Cambridge
Classification: Pathogenic for Breast-ovarian cancer, familial, susceptibility to, 2. Last evaluated: 2015-10-02. Review status: criteria provided, single submitter. Criteria: CIMBA Mutation Classification guidelines May 2016. Collection method: clinical testing. Allele origin: germline. Not counted in ClinVar's aggregate classification.

Counsyl
Classification: Likely pathogenic for Breast-ovarian cancer, familial, susceptibility to, 2. Last evaluated: 2017-01-03. Review status: no assertion criteria provided. Collection method: clinical testing. Allele origin: unknown. Not counted in ClinVar's aggregate classification.

Sharing Clinical Reports Project (SCRP)
Classification: Pathogenic for Breast-ovarian cancer, familial 2. Last evaluated: 2006-02-10. Review status: no assertion criteria provided. Collection method: clinical testing. Allele origin: germline. Not counted in ClinVar's aggregate classification.

Breast Cancer Information Core (BIC) (BRCA2)
Classification: Pathogenic for Breast-ovarian cancer, familial 2. Last evaluated: 2001-11-29. Review status: no assertion criteria provided. Collection method: clinical testing. Allele origin: germline. Affected: yes. Observed: 2 variant alleles. Not counted in ClinVar's aggregate classification.

Literature cited by the submitters: PubMed 29446198 (cited by Mayo Clinic Laboratories, Mayo Clinic and Labcorp Genetics (formerly Invitae), Labcorp); PubMed 20104584 (cited by Labcorp Genetics (formerly Invitae), Labcorp).

NM_000059.4(BRCA2):c.2881C>T (p.Gln961Ter)

Gene: BRCA2 (BRCA2 DNA repair associated; plus strand). Cytogenetic location: 13q13.1.
Variant type: single nucleotide variant.
Coding change: c.2881C>T on transcript NM_000059.4 (MANE Select); coding-DNA position 2881, C replaced by T.
Protein change: p.Gln961Ter; replaces glutamine 961 with a stop codon.
Molecular consequence: nonsense.
Genome position (GRCh38, 1-based): chr13:32,337,236, C>T. VCF-style: chr13-32337236-C-T. GRCh37 (hg19) VCF-style: chr13-32911373-C-T.
Other names: p.Gln961*; 3109C>T; short protein forms Q961*.
Identifiers: ClinVar variation 51365 (VCV000051365.12), dbSNP rs80358538, ClinGen allele CA016668.